The following is an entry in ClinVar:

ClinVar aggregate classification (germline): Likely benign. Review status: criteria provided, multiple submitters, no conflicts (2 of 4 stars). 5 submissions from 5 submitters: Likely benign (4). 1 of the submissions does not count toward it. Last evaluated 2026-01-05.

Conditions:
DNM1-related disorder. Also called: DNM1-related condition.
Developmental and epileptic encephalopathy, 31A. Also called: Epileptic encephalopathy, early infantile, 31; Developmental and epileptic encephalopathy, 31. Identifiers: Orphanet 2382, MedGen C4225357, MONDO:0014598, OMIM 616346.

Allele frequency attached by ClinVar (database versions not stated): ExAC 0.00003; gnomAD 0.00001 and 0.00003; gnomAD exomes 0.00002 and 0.00003; 1000 Genomes Project 30x 0.00031; 1000 Genomes Project 0.00040.
gnomAD v4.1: 28 of 1,605,218 alleles (0.0017%); highest among the groups gnomAD compares: East Asian, 0.0067%; no homozygotes.

Submissions (5):

Labcorp Genetics (formerly Invitae), Labcorp
Classification: Likely benign for Developmental and epileptic encephalopathy, 31A. Last evaluated: 2026-01-05. Review status: criteria provided, single submitter. Criteria: Invitae Variant Classification Sherloc (09022015). Collection method: clinical testing. Allele origin: germline.

CeGaT Center for Human Genetics Tuebingen
Classification: Likely benign. Last evaluated: 2025-10-01. Review status: criteria provided, single submitter. Criteria: CeGaT Center For Human Genetics Tuebingen Variant Classification Criteria Version 2. Collection method: clinical testing. Allele origin: germline. Affected: yes. Observed: 1 variant allele.
Comment: DNM1: BP4

Women's Health and Genetics/Laboratory Corporation of America, LabCorp
Classification: Likely benign. Last evaluated: 2025-04-15. Review status: criteria provided, single submitter. Criteria: LabCorp Variant Classification Summary - May 2015. Collection method: clinical testing. Allele origin: germline.

Blueprint Genetics
Classification: Likely benign. Last evaluated: 2024-09-06. Review status: criteria provided, single submitter. Criteria: ACMG Guidelines, 2015. Collection method: clinical testing. Allele origin: germline.

PreventionGenetics, part of Exact Sciences
Classification: Likely benign for DNM1-related condition. Last evaluated: 2019-03-06. Review status: no assertion criteria provided. Collection method: clinical testing. Allele origin: germline. Not counted in ClinVar's aggregate classification.
Comment: This variant is classified as likely benign based on ACMG/AMP sequence variant interpretation guidelines (Richards et al. 2015 PMID: 25741868, with internal and published modifications).

NM_004408.4(DNM1):c.1335+7C>T

Gene: DNM1 (dynamin 1; plus strand). Cytogenetic location: 9q34.11.
Variant type: single nucleotide variant.
Coding change: c.1335+7C>T on transcript NM_004408.4 (MANE Select); 7 bases into the intron after coding-DNA position 1335, C replaced by T.
Molecular consequence: intron variant.
Genome position (GRCh38, 1-based): chr9:128,224,396, C>T. VCF-style: chr9-128224396-C-T. GRCh37 (hg19) VCF-style: chr9-130986675-C-T.
Other names: c.1335+7C>T (NM_004408.3, NM_001005336.3, NM_001374269.1); c.1196+1536C>T (NM_001288738.2, NM_001288737.2, NM_001288739.2).
Identifiers: ClinVar variation 1555258 (VCV001555258.19), dbSNP rs201230726, ClinGen allele CA5258054.
Genomic context (GRCh38, chr9:128,224,396, plus strand): 5'-GTGGACATGGTTATCTCGGAGCTAATCAGCACCGTTAGACAGTGCACCAAGAAGGTAACC[C>T]GGAGGCCCGGGCCAGCCCCCACCGCCTCTGCCCCGCCCTGCACTGCTGCCAGGCGCTCCT-3'